The following is an entry in ClinVar:

NM_000038.6(APC):c.3810T>G (p.Cys1270Trp)

Gene: APC (APC regulator of Wnt signaling pathway; plus strand). Cytogenetic location: 5q22.2.
Variant type: single nucleotide variant.
Coding change: c.3810T>G on transcript NM_000038.6 (MANE Select); coding-DNA position 3810, T replaced by G.
Protein change: p.Cys1270Trp; replaces cysteine 1270 with tryptophan.
Molecular consequence: missense variant. On other transcripts: non-coding transcript variant (2).
Genome position (GRCh38, 1-based): chr5:112,839,404, T>G. VCF-style: chr5-112839404-T-G. GRCh37 (hg19) VCF-style: chr5-112175101-T-G.
Other names: c.3810T>G, p.Cys1270Trp (NM_001127510.3, NM_001354895.2, NM_001407450.1); c.3756T>G, p.Cys1252Trp (NM_001127511.3); c.3864T>G, p.Cys1288Trp (NM_001354896.2, NM_001407447.1, NM_001407448.1 and 1 more transcripts); c.3840T>G, p.Cys1280Trp (NM_001354897.2); c.3735T>G, p.Cys1245Trp (NM_001354898.2); c.3726T>G, p.Cys1242Trp (NM_001354899.2); c.3687T>G, p.Cys1229Trp (NM_001354900.2); c.3633T>G, p.Cys1211Trp (NM_001354901.2, NM_001407453.1); and 11 more; short protein forms C1110W, C1141W, C1144W, C1169W, C1179W, C1187W, C1211W, C1229W.
Identifiers: ClinVar variation 4801476 (VCV004801476.1).
Genomic context (GRCh38, chr5:112,839,404, plus strand): 5'-AGTTTCTTCTATTAACCAAGAAACAATACAGACTTATTGTGTAGAAGATACTCCAATATG[T>G]TTTTCAAGATGTAGTTCATTATCATCTTTGTCATCAGCTGAAGATGAAATAGGATGTAAT-3'
Protein context (NP_000029.2, residues 1260-1280): QTYCVEDTPI[Cys1270Trp]FSRCSSLSSL

ClinVar aggregate classification (germline): Uncertain significance (1 of 4 stars; one submission).

Conditions:
Familial adenomatous polyposis 1 (FAP1). Also called: FAMILIAL ADENOMATOUS POLYPOSIS 1, ATTENUATED; POLYPOSIS, ADENOMATOUS INTESTINAL. Identifiers: MedGen C2713442, MONDO:0021056, OMIM 175100. Disease mechanism: loss of function.

gnomAD v4.1: 1 of 1,614,126 alleles (0.000062%); highest among the groups gnomAD compares: Non-Finnish European, 0.000085%; no homozygotes.

Submission:

Labcorp Genetics (formerly Invitae), Labcorp
Classification: Uncertain significance for Familial adenomatous polyposis 1. Last evaluated: 2025-06-22. Review status: criteria provided, single submitter. Criteria: Invitae Variant Classification Sherloc (09022015). Collection method: clinical testing. Allele origin: germline.
Comment: This sequence change replaces cysteine, which is neutral and slightly polar, with tryptophan, which is neutral and slightly polar, at codon 1270 of the APC protein (p.Cys1270Trp). This variant is not present in population databases (gnomAD no frequency). This variant has not been reported in the literature in individuals affected with APC-related conditions. Invitae Evidence Modeling of protein sequence and biophysical properties (such as structural, functional, and spatial information, amino acid conservation, physicochemical variation, residue mobility, and thermodynamic stability) indicates that this missense variant is not expected to disrupt APC protein function with a negative predictive value of 95%. In summary, the available evidence is currently insufficient to determine the role of this variant in disease. Therefore, it has been classified as a Variant of Uncertain Significance.